The following is an entry in ClinVar:

NM_001351132.2(PEX5):c.1030C>T (p.Arg344Trp)

Gene: PEX5 (peroxisomal biogenesis factor 5; plus strand). Cytogenetic location: 12p13.31.
Variant type: single nucleotide variant.
Coding change: c.1030C>T on transcript NM_001351132.2 (MANE Select); coding-DNA position 1030, C replaced by T.
Protein change: p.Arg344Trp; replaces arginine 344 with tryptophan.
Molecular consequence: missense variant.
Genome position (GRCh38, 1-based): chr12:7,207,722, C>T. VCF-style: chr12-7207722-C-T. GRCh37 (hg19) VCF-style: chr12-7360318-C-T.
Other names: c.1006C>T, p.Arg336Trp (NM_000319.5); c.1075C>T, p.Arg359Trp (NM_001131023.2); c.919C>T, p.Arg307Trp (NM_001131024.2, NM_001351124.3, NM_001351126.2 and 7 more transcripts); c.1030C>T, p.Arg344Trp (NM_001131025.2, NM_001131026.2, NM_001300789.3 and 4 more transcripts); c.964C>T, p.Arg322Trp (NM_001351135.3, NM_001351138.2); c.1021C>T, p.Arg341Trp (NM_001351136.2); c.895C>T, p.Arg299Trp (NM_001351139.2, NM_001351140.2, NM_001374649.2); c.1030C>T (NM_001131025.1); short protein forms R344W, R336W, R359W, R322W, R299W, R341W, R307W.
Identifiers: ClinVar variation 595254 (VCV000595254.10), dbSNP rs145762725, ClinGen allele CA6426346.

ClinVar aggregate classification (germline): Uncertain significance. Review status: criteria provided, multiple submitters, no conflicts (2 of 4 stars). 4 submissions from 4 submitters: Uncertain significance (4). Last evaluated 2025-12-30.

Conditions:
Peroxisome biogenesis disorder 2B (PBD2B). Identifiers: Orphanet 44, MedGen C3550234, MONDO:0008736, OMIM 202370.
PEX5-related disorder. Also called: PEX5-related condition; PEX5-Related Disorders.
Inborn genetic diseases. Identifiers: MedGen C0950123, MeSH D030342.

Allele frequency attached by ClinVar (database versions not stated): gnomAD exomes 0.00003 and 0.00008; gnomAD 0.00007; ExAC 0.00008; TOPMed 0.00010; ESP Exome Variant Server 0.00031.
gnomAD v4.1: 58 of 1,613,752 alleles (0.0036%); highest among the groups gnomAD compares: East Asian, 0.031%; no homozygotes.

Submissions (4):

PreventionGenetics, part of Exact Sciences
Classification: Uncertain significance for PEX5-related condition. Last evaluated: 2025-12-30. Review status: criteria provided, single submitter. Criteria: ACMG Guidelines, 2015. Collection method: clinical testing. Allele origin: germline.
Comment: The PEX5 c.1030C>T variant is predicted to result in the amino acid substitution p.Arg344Trp. To our knowledge, this variant has not been reported in the literature. This variant is reported in 0.040% of alleles in individuals of East Asian descent in gnomAD. At this time, the clinical significance of this variant is uncertain due to the absence of conclusive functional and genetic evidence.

Ambry Genetics
Classification: Uncertain significance for Inborn genetic diseases. Last evaluated: 2024-01-31. Review status: criteria provided, single submitter. Criteria: Ambry Variant Classification Scheme 2023. Collection method: clinical testing. Allele origin: germline.

Labcorp Genetics (formerly Invitae), Labcorp
Classification: Uncertain significance for Peroxisome biogenesis disorder 2B. Last evaluated: 2022-09-27. Review status: criteria provided, single submitter. Criteria: Invitae Variant Classification Sherloc (09022015). Collection method: clinical testing. Allele origin: germline.
Comment: This sequence change replaces arginine, which is basic and polar, with tryptophan, which is neutral and slightly polar, at codon 344 of the PEX5 protein (p.Arg344Trp). This variant is present in population databases (rs145762725, gnomAD 0.04%). This variant has not been reported in the literature in individuals affected with PEX5-related conditions. ClinVar contains an entry for this variant (Variation ID: 595254). Advanced modeling of protein sequence and biophysical properties (such as structural, functional, and spatial information, amino acid conservation, physicochemical variation, residue mobility, and thermodynamic stability) performed at Invitae indicates that this missense variant is expected to disrupt PEX5 protein function. In summary, the available evidence is currently insufficient to determine the role of this variant in disease. Therefore, it has been classified as a Variant of Uncertain Significance.

Eurofins Ntd Llc (ga)
Classification: Uncertain significance. Last evaluated: 2017-12-05. Review status: criteria provided, single submitter. Criteria: EGL Classification Definitions 2015. Collection method: clinical testing. Allele origin: germline. Observed: 1 variant allele, 1 heterozygote.